The following is an entry in ClinVar:

ClinVar aggregate classification (germline): Uncertain significance (1 of 4 stars; one submission).

Conditions:
Cardiomyopathy (CMYO). Also called: Cardiomyopathies. Identifiers: Orphanet 167848, MedGen C0878544, MONDO:0004994, HP:0001638. Inheritance: Various modes of inheritance.

Submission:

Color Diagnostics, LLC DBA Color Health
Classification: Uncertain significance for Cardiomyopathy. Last evaluated: 2025-09-09. Review status: criteria provided, single submitter. Criteria: ACMG Guidelines, 2015. Collection method: clinical testing. Allele origin: germline.
Comment: This missense variant replaces arginine with histidine at codon 4144 of the RYR2 protein. Computational prediction suggests that this variant may have deleterious impact on protein structure and function. To our knowledge, functional studies have not been reported for this variant. This variant has not been reported in individuals affected with RYR2-related disorders in the literature. This variant has not been identified in the general population by the Genome Aggregation Database (gnomAD). The available evidence is insufficient to determine the role of this variant in disease conclusively. Therefore, this variant is classified as a Variant of Uncertain Significance.

NM_001035.3(RYR2):c.12431G>A (p.Arg4144His)

Genes: RYR2 (ryanodine receptor 2; plus strand), LOC126806068 (BRD4-independent group 4 enhancer GRCh37_chr1:237947411-237948610; plus strand). Cytogenetic location: 1q43.
Variant type: single nucleotide variant.
Coding change: c.12431G>A on transcript NM_001035.3 (MANE Select); coding-DNA position 12431, G replaced by A.
Protein change: p.Arg4144His; replaces arginine 4144 with histidine.
Molecular consequence: missense variant.
Genome position (GRCh38, 1-based): chr1:237,784,143, G>A. VCF-style: chr1-237784143-G-A. GRCh37 (hg19) VCF-style: chr1-237947443-G-A.
Other names: short protein forms R4144H.
Identifiers: ClinVar variation 4756538 (VCV004756538.1).